The following is an entry in ClinVar:

NM_138694.4(PKHD1):c.602+2T>A

Gene: PKHD1 (PKHD1 ciliary IPT domain containing fibrocystin/polyductin; minus strand). Cytogenetic location: 6p12.2.
Variant type: single nucleotide variant.
Coding change: c.602+2T>A on transcript NM_138694.4 (MANE Select); the canonical splice donor site of the intron after coding-DNA position 602, T replaced by A.
Molecular consequence: splice donor variant.
Genome position (GRCh38, 1-based): chr6:52,072,113, A>T on the plus strand (T>A on the coding strand, the complement: PKHD1 is on the minus strand). VCF-style: chr6-52072113-A-T. GRCh37 (hg19) VCF-style: chr6-51936911-A-T.
Other names: c.602+2T>A (NM_170724.3).
Identifiers: ClinVar variation 1066847 (VCV001066847.7), dbSNP rs2128231798, ClinGen allele CA364434527.

ClinVar aggregate classification (germline): Likely pathogenic (1 of 4 stars; one submission).

Conditions:
Autosomal recessive polycystic kidney disease (ARPKD). Also called: AR polycystic kidney disease. Identifiers: Orphanet 731, Orphanet 8378, MedGen C0085548, MeSH D017044, MONDO:0009889.

Submission:

Labcorp Genetics (formerly Invitae), Labcorp
Classification: Likely pathogenic for Autosomal recessive polycystic kidney disease. Last evaluated: 2020-09-27. Review status: criteria provided, single submitter. Criteria: Invitae Variant Classification Sherloc (09022015). Collection method: clinical testing. Allele origin: germline.
Comment: In summary, the currently available evidence indicates that the variant is pathogenic, but additional data are needed to prove that conclusively. Therefore, this variant has been classified as Likely Pathogenic. Donor and acceptor splice site variants typically lead to a loss of protein function (PMID: 16199547), and loss-of-function variants in PKHD1 are known to be pathogenic (PMID: 19940839). Algorithms developed to predict the effect of sequence changes on RNA splicing suggest that this variant may disrupt the consensus splice site, but this prediction has not been confirmed by published transcriptional studies. This variant is not present in population databases (ExAC no frequency). This sequence change affects a donor splice site in intron 8 of the PKHD1 gene. It is expected to disrupt RNA splicing and likely results in an absent or disrupted protein product. This variant has not been reported in the literature in individuals with PKHD1-related conditions.

Literature cited by the submitters: PubMed 16199547; PubMed 19940839.